The following is an entry in ClinVar:

NM_000179.3(MSH6):c.2566_2572del (p.Ile856fs)

Gene: MSH6 (mutS homolog 6; plus strand). Cytogenetic location: 2p16.3.
Variant type: Deletion.
Coding change: c.2566_2572del on transcript NM_000179.3 (MANE Select); coding-DNA positions 2566 to 2572, 7 bases deleted (ATTGATT; older notation c.2566_2572delATTGATT).
Protein change: p.Ile856fs; shifts the reading frame from isoleucine 856.
Molecular consequence: frameshift variant.
Genome position (GRCh38, 1-based): chr2:47,800,549-47,800,555, ATTGATT deleted; deleting any 7 consecutive bases within chr2:47,800,545-47,800,555 gives the same sequence; the c. name uses the placement nearest the transcript's 3' end. VCF-style (leftmost placement, unchanged base first): chr2-47800544-AGATTATT-A. GRCh37 (hg19) VCF-style: chr2-48027683-AGATTATT-A.
Other names: c.2176_2182del, p.Ile726fs (NM_001281492.2); c.1660_1666del, p.Ile554fs (NM_001281493.2, NM_001281494.2); short protein forms I554fs, I726fs, I856fs.
Identifiers: ClinVar variation 997867 (VCV000997867.1), dbSNP rs1669481204, ClinGen allele CA2496049640.

ClinVar aggregate classification (germline): Likely pathogenic (1 of 4 stars; one submission).

Conditions:
Hereditary nonpolyposis colon cancer (HNPCC). Also called: Hereditary nonpolyposis colorectal cancer; Familial nonpolyposis colon cancer; Hereditary Nonpolyposis Colorectal Cancer Syndrome. Identifiers: Orphanet 443909, MedGen C1333990, MONDO:0018630. Disease mechanism: loss of function.

Submission:

Women's Health and Genetics/Laboratory Corporation of America, LabCorp
Classification: Likely pathogenic for Hereditary nonpolyposis colon cancer. Last evaluated: 2021-02-04. Review status: criteria provided, single submitter. Criteria: LabCorp Variant Classification Summary - May 2015. Collection method: clinical testing. Allele origin: germline.
Comment: Variant summary: MSH6 c.2566_2572delATTGATT (p.Ile856PhefsX10) results in a premature termination codon, predicted to cause a truncation of the encoded protein or absence of the protein due to nonsense mediated decay, which are commonly known mechanisms for disease. Truncations downstream of this position have been classified as pathogenic by our laboratory. The variant was absent in 249296 control chromosomes. To our knowledge, no occurrence of c.2566_2572delATTGATT in individuals affected with Hereditary Nonpolyposis Colorectal Cancer and no experimental evidence demonstrating its impact on protein function have been reported. No clinical diagnostic laboratories have submitted clinical-significance assessments for this variant to ClinVar after 2014. Based on the evidence outlined above, the variant was classified as likely pathogenic.